The following is an entry in ClinVar:

ClinVar aggregate classification (germline): Uncertain significance (1 of 4 stars; one submission).

Submission:

Labcorp Genetics (formerly Invitae), Labcorp
Classification: Uncertain significance. Last evaluated: 2025-02-03. Review status: criteria provided, single submitter. Criteria: Invitae Variant Classification Sherloc (09022015). Collection method: clinical testing. Allele origin: germline.
Comment: This sequence change replaces phenylalanine, which is neutral and non-polar, with serine, which is neutral and polar, at codon 111 of the ACER3 protein (p.Phe111Ser). This variant is not present in population databases (gnomAD no frequency). This variant has not been reported in the literature in individuals affected with ACER3-related conditions. Invitae Evidence Modeling of protein sequence and biophysical properties (such as structural, functional, and spatial information, amino acid conservation, physicochemical variation, residue mobility, and thermodynamic stability) indicates that this missense variant is not expected to disrupt ACER3 protein function with a negative predictive value of 80%. In summary, the available evidence is currently insufficient to determine the role of this variant in disease. Therefore, it has been classified as a Variant of Uncertain Significance.

NM_018367.7(ACER3):c.332T>C (p.Phe111Ser)

Gene: ACER3 (alkaline ceramidase 3; plus strand). Cytogenetic location: 11q13.5.
Variant type: single nucleotide variant.
Coding change: c.332T>C on transcript NM_018367.7 (MANE Select); coding-DNA position 332, T replaced by C.
Protein change: p.Phe111Ser; replaces phenylalanine 111 with serine.
Molecular consequence: missense variant.
Genome position (GRCh38, 1-based): chr11:76,985,654, T>C. VCF-style: chr11-76985654-T-C. GRCh37 (hg19) VCF-style: chr11-76696698-T-C.
Other names: c.221T>C, p.Phe74Ser (NM_001300953.2); c.47T>C, p.Phe16Ser (NM_001300954.2, NM_001300955.2); short protein forms F16S, F74S, F111S.
Identifiers: ClinVar variation 3702021 (VCV003702021.2).